The following is an entry in ClinVar:

NM_001048174.2(MUTYH):c.454_455delinsCCC (p.Tyr152fs)

Gene: MUTYH (mutY DNA glycosylase; minus strand). Cytogenetic location: 1p34.1.
Variant type: Indel.
Coding change: c.454_455delinsCCC on transcript NM_001048174.2 (MANE Select); coding-DNA positions 454 to 455, TA replaced by CCC.
Protein change: p.Tyr152fs; shifts the reading frame from tyrosine 152.
Molecular consequence: frameshift variant. On other transcripts: non-coding transcript variant (7).
Genome position (GRCh38, 1-based): chr1:45,332,800-45,332,801, TA replaced by GGG on the plus strand (TA replaced by CCC on the coding strand, the reverse complement: MUTYH is on the minus strand). VCF-style: chr1-45332800-TA-GGG. GRCh37 (hg19) VCF-style: chr1-45798472-TA-GGG.
Other names: c.454_455delinsCCC, p.Tyr152fs (NM_001048171.2, NM_001048173.2, NM_001293195.2 and 6 more transcripts); c.457_458delinsCCC, p.Tyr153fs (NM_001048172.2, NM_001407071.1, NM_001407078.1 and 1 more transcripts); c.538_539delinsCCC, p.Tyr180fs (NM_001128425.2); c.499_500delinsCCC, p.Tyr167fs (NM_001293190.2); c.487_488delinsCCC, p.Tyr163fs (NM_001293191.2, NM_001407069.1, NM_001407077.1); c.178_179delinsCCC, p.Tyr60fs (NM_001293192.2, NM_001293196.2, NM_001407091.1); c.109_110delinsCCC, p.Tyr37fs (NM_001350650.2, NM_001350651.2, NM_001407082.1); c.370_371delinsCCC, p.Tyr124fs (NM_001407075.1); and 5 more; short protein forms Y138fs, Y163fs, Y124fs, Y153fs, Y37fs, Y139fs, Y152fs, Y159fs.
Identifiers: ClinVar variation 4294269 (VCV004294269.1).

ClinVar aggregate classification (germline): Pathogenic (1 of 4 stars; one submission).

Conditions:
Familial adenomatous polyposis 2. Also called: MUTYH-associated polyposis; MUTYH-related attenuated familial adenomatous polyposis; FAP type 2; MYH-associated polyposis; MUTYH Polyposis; COLORECTAL ADENOMATOUS POLYPOSIS, AUTOSOMAL RECESSIVE. Identifiers: Orphanet 220460, Orphanet 247798, MedGen C3272841, MONDO:0012041, OMIM 608456.

Submission:

Myriad Genetics, Inc.
Classification: Pathogenic for Familial adenomatous polyposis 2. Last evaluated: 2025-09-19. Review status: criteria provided, single submitter. Criteria: Myriad Autosomal Dominant, Autosomal Recessive and X-Linked Classification Criteria (2023). Collection method: clinical testing. Allele origin: unknown.
Comment: This variant is considered pathogenic. This variant creates a frameshift predicted to result in premature protein truncation.